The following is an entry in ClinVar:

ClinVar aggregate classification (germline): Uncertain significance. Review status: criteria provided, multiple submitters, no conflicts (2 of 4 stars). 2 submissions from 2 submitters: Uncertain significance (2). Last evaluated 2023-02-15.

Conditions:
Inborn genetic diseases. Identifiers: MedGen C0950123, MeSH D030342.
Peroxisome biogenesis disorder 3A (Zellweger). Also called: Peroxisome biogenesis disorder 3A; PEROXISOMAL BIOGENESIS DISORDER 3A (ZELLWEGER). Identifiers: Orphanet 912, MedGen C3553929, MONDO:0013927, OMIM 614859.

Allele frequency attached by ClinVar (database versions not stated): gnomAD exomes 0.00001 and 0.00009; gnomAD 0.00002 and 0.00003; ExAC 0.00009; TOPMed 0.00010; 1000 Genomes Project 0.00020; 1000 Genomes Project 30x 0.00031.

Submissions (2):

Ambry Genetics
Classification: Uncertain significance for Inborn genetic diseases. Last evaluated: 2023-02-15. Review status: criteria provided, single submitter. Criteria: Ambry Variant Classification Scheme 2023. Collection method: clinical testing. Allele origin: germline.

Labcorp Genetics (formerly Invitae), Labcorp
Classification: Uncertain significance for Peroxisome biogenesis disorder 3A (Zellweger). Last evaluated: 2022-07-12. Review status: criteria provided, single submitter. Criteria: Invitae Variant Classification Sherloc (09022015). Collection method: clinical testing. Allele origin: germline.
Comment: This sequence change replaces lysine, which is basic and polar, with asparagine, which is neutral and polar, at codon 301 of the PEX12 protein (p.Lys301Asn). This variant is present in population databases (rs145574816, gnomAD 0.1%). This variant has not been reported in the literature in individuals affected with PEX12-related conditions. ClinVar contains an entry for this variant (Variation ID: 1042952). Algorithms developed to predict the effect of missense changes on protein structure and function are either unavailable or do not agree on the potential impact of this missense change (SIFT: "Tolerated"; PolyPhen-2: "Possibly Damaging"; Align-GVGD: "Class C0"). In summary, the available evidence is currently insufficient to determine the role of this variant in disease. Therefore, it has been classified as a Variant of Uncertain Significance.

NM_000286.3(PEX12):c.903G>C (p.Lys301Asn)

Gene: PEX12 (peroxisomal biogenesis factor 12; minus strand). Cytogenetic location: 17q12.
Variant type: single nucleotide variant.
Coding change: c.903G>C on transcript NM_000286.3 (MANE Select); coding-DNA position 903, G replaced by C.
Protein change: p.Lys301Asn; replaces lysine 301 with asparagine.
Molecular consequence: missense variant.
Genome position (GRCh38, 1-based): chr17:35,575,959, C>G on the plus strand (G>C on the coding strand, the complement: PEX12 is on the minus strand). VCF-style: chr17-35575959-C-G. GRCh37 (hg19) VCF-style: chr17-33902978-C-G.
Other names: c.903G>C (NM_000286.2); short protein forms K301N.
Identifiers: ClinVar variation 1042952 (VCV001042952.5), dbSNP rs145574816, ClinGen allele CA8504824.